The following is an entry in ClinVar:

NM_005219.5(DIAPH1):c.2029C>T (p.Pro677Ser)

Gene: DIAPH1 (diaphanous related formin 1; minus strand). Cytogenetic location: 5q31.3.
Variant type: single nucleotide variant.
Coding change: c.2029C>T on transcript NM_005219.5 (MANE Select); coding-DNA position 2029, C replaced by T.
Protein change: p.Pro677Ser; replaces proline 677 with serine.
Molecular consequence: missense variant.
Genome position (GRCh38, 1-based): chr5:141,573,821, G>A on the plus strand (C>T on the coding strand, the complement: DIAPH1 is on the minus strand). VCF-style: chr5-141573821-G-A. GRCh37 (hg19) VCF-style: chr5-140953388-G-A.
Other names: c.2002C>T, p.Pro668Ser (NM_001079812.3); c.2029C>T, p.Pro677Ser (NM_001314007.2); short protein forms P677S, P668S.
Identifiers: ClinVar variation 4785328 (VCV004785328.1).

ClinVar aggregate classification (germline): Uncertain significance (1 of 4 stars; one submission).

Conditions:
Progressive microcephaly-seizures-cortical blindness-developmental delay syndrome. Also called: Seizures, cortical blindness, and microcephaly syndrome. Identifiers: Orphanet 477814, MedGen C5567650, MONDO:0014714, OMIM 616632.
Autosomal dominant nonsyndromic hearing loss 1. Also called: DEAFNESS, AUTOSOMAL DOMINANT 1, WITH OR WITHOUT THROMBOCYTOPENIA; KONIGSMARK SYNDROME. Identifiers: Orphanet 90635, MedGen C1852282, MONDO:0007424, OMIM 124900.

Submission:

Labcorp Genetics (formerly Invitae), Labcorp
Classification: Uncertain significance for Progressive microcephaly-seizures-cortical blindness-developmental delay syndrome; Autosomal dominant nonsyndromic hearing loss 1. Last evaluated: 2025-06-18. Review status: criteria provided, single submitter. Criteria: Invitae Variant Classification Sherloc (09022015). Collection method: clinical testing. Allele origin: germline.
Comment: This sequence change replaces proline, which is neutral and non-polar, with serine, which is neutral and polar, at codon 677 of the DIAPH1 protein (p.Pro677Ser). This variant is not present in population databases (gnomAD no frequency). This variant has not been reported in the literature in individuals affected with DIAPH1-related conditions. Experimental studies and prediction algorithms are not available or were not evaluated, and the functional significance of this variant is currently unknown. In summary, the available evidence is currently insufficient to determine the role of this variant in disease. Therefore, it has been classified as a Variant of Uncertain Significance.